The following is an entry in ClinVar:

ClinVar aggregate classification (germline): Pathogenic. Review status: reviewed by expert panel (3 of 4 stars). 13 submissions from 13 submitters: Pathogenic (1). 12 of the submissions do not count toward it. Last evaluated 2016-09-08.

Conditions:
Hereditary breast ovarian cancer syndrome. Also called: Breast and ovarian cancer; Hereditary breast and ovarian cancer; Hereditary breast and ovarian cancer syndrome; BRCA1- and BRCA2-Associated Hereditary Breast and Ovarian Cancer; Hereditary breast and ovarian cancer syndrome (HBOC); Hereditary breast and/or ovarian cancer syndrome. Identifiers: Orphanet 145, MedGen C0677776, MeSH D061325, MONDO:0003582. Disease mechanism: loss of function.
Hereditary cancer-predisposing syndrome. Also called: Tumor predisposition; Hereditary Cancer Syndrome; Neoplastic Syndromes, Hereditary; Hereditary neoplastic syndrome. Identifiers: Orphanet 140162, MedGen C0027672, MeSH D009386, MONDO:0015356.
Familial cancer of breast. Also called: BREAST CANCER, FAMILIAL; hereditary breast carcinoma; Hereditary breast cancer. Identifiers: Orphanet 227535, MedGen C0346153, MONDO:0016419, OMIM 114480. Disease mechanism: loss of function.
BRCA2-related cancer predisposition. Identifiers: MedGen CN377758, MONDO:0700269.
Breast-ovarian cancer, familial, susceptibility to, 2 (BROVCA2). Also called: BRCA2 Hereditary Breast and Ovarian Cancer. Identifiers: Orphanet 145, MedGen C2675520, MONDO:0012933, OMIM 612555. Disease mechanism: loss of function.

Allele frequency attached by ClinVar (database versions not stated): TOPMed below 0.00001.

Submissions (13):

Evidence-based Network for the Interpretation of Germline Mutant Alleles (ENIGMA)
Classification: Pathogenic for Breast-ovarian cancer, familial, susceptibility to, 2. Last evaluated: 2016-09-08. Review status: reviewed by expert panel. Criteria: ENIGMA BRCA1/2 Classification Criteria (2015). Collection method: curation. Allele origin: germline.
Comment: Variant allele predicted to encode a truncated non-functional protein.

All of Us Research Program, National Institutes of Health
Classification: Pathogenic for Breast-ovarian cancer, familial, susceptibility to, 2. Last evaluated: 2023-10-09. Review status: criteria provided, single submitter. Criteria: ACMG Guidelines, 2015. Collection method: clinical testing. Allele origin: germline. Inheritance: Autosomal dominant inheritance. Observed: 1 variant allele, 1 heterozygote. Not counted in ClinVar's aggregate classification.
Comment: This variant changes 1 nucleotide in exon 11 of the BRCA2 gene, creating a premature translation stop signal. This variant is expected to result in an absent or non-functional protein product. To our knowledge, functional studies have not been reported for this variant. This variant has been reported in individuals affected with breast cancer (PMID: 28423363). This variant has not been identified in the general population by the Genome Aggregation Database (gnomAD). Loss of BRCA2 function is a known mechanism of disease. Based on the available evidence, this variant is classified as Pathogenic.

This study involves interpretation of variants in research participants for the purpose of population health screening. Participant phenotype was not available at the time of variant classification. Additional details can be found in publication PMID: 35346344, PMCID: PMC8962531

Color Diagnostics, LLC DBA Color Health
Classification: Pathogenic for Hereditary cancer-predisposing syndrome. Last evaluated: 2023-08-30. Review status: criteria provided, single submitter. Criteria: ACMG Guidelines, 2015. Collection method: clinical testing. Allele origin: germline. Not counted in ClinVar's aggregate classification.
Comment: This variant changes 1 nucleotide in exon 11 of the BRCA2 gene, creating a premature translation stop signal. This variant is expected to result in an absent or non-functional protein product. This variant has been reported in an individual affected with DCIS (PMID: 28423363) and has been identified in 3 families among the CIMBA participants (PMID: 29446198). This variant has not been identified in the general population by the Genome Aggregation Database (gnomAD). Loss of BRCA2 function is a known mechanism of disease. Based on the available evidence, this variant is classified as Pathogenic.

Labcorp Genetics (formerly Invitae), Labcorp
Classification: Pathogenic for Hereditary breast ovarian cancer syndrome. Last evaluated: 2023-06-21. Review status: criteria provided, single submitter. Criteria: Invitae Variant Classification Sherloc (09022015). Collection method: clinical testing. Allele origin: germline. Not counted in ClinVar's aggregate classification.
Comment: This sequence change creates a premature translational stop signal (p.Gln649*) in the BRCA2 gene. It is expected to result in an absent or disrupted protein product. Loss-of-function variants in BRCA2 are known to be pathogenic (PMID: 20104584). This variant is not present in population databases (gnomAD no frequency). This premature translational stop signal has been observed in individual(s) with breast cancer (PMID: 28423363, 29339979, 29446198). ClinVar contains an entry for this variant (Variation ID: 91764). For these reasons, this variant has been classified as Pathogenic.

Ambry Genetics
Classification: Pathogenic for Hereditary cancer-predisposing syndrome. Last evaluated: 2023-06-12. Review status: criteria provided, single submitter. Criteria: Ambry Variant Classification Scheme 2023. Collection method: clinical testing. Allele origin: germline. Not counted in ClinVar's aggregate classification.
Comment: The p.Q649* pathogenic mutation (also known as c.1945C>T), located in coding exon 10 of the BRCA2 gene, results from a C to T substitution at nucleotide position 1945. This changes the amino acid from a glutamine to a stop codon within coding exon 10. This variant is considered to be rare based on population cohorts in the Genome Aggregation Database (gnomAD). This alteration is expected to result in loss of function by premature protein truncation or nonsense-mediated mRNA decay. As such, this alteration is interpreted as a disease-causing mutation.

Department of Pathology and Laboratory Medicine, Sinai Health System
Classification: Pathogenic for BRCA2-related cancer predisposition. Last evaluated: 2022-05-18. Review status: criteria provided, single submitter. Criteria: ACMG Guidelines, 2015. Collection method: clinical testing. Allele origin: germline. Affected: no. Not counted in ClinVar's aggregate classification.

Baylor Genetics
Classification: Pathogenic for Familial cancer of breast. Last evaluated: 2021-11-11. Review status: criteria provided, single submitter. Criteria: ACMG Guidelines, 2015. Collection method: clinical testing. Allele origin: unknown. Not counted in ClinVar's aggregate classification.

Women's Health and Genetics/Laboratory Corporation of America, LabCorp
Classification: Pathogenic for Hereditary breast and ovarian cancer syndrome. Last evaluated: 2020-12-11. Review status: criteria provided, single submitter. Criteria: LabCorp Variant Classification Summary - May 2015. Collection method: clinical testing. Allele origin: germline. Not counted in ClinVar's aggregate classification.
Comment: Variant summary: BRCA2 c.1945C>T (p.Gln649X) results in a premature termination codon, predicted to cause a truncation of the encoded protein or absence of the protein due to nonsense mediated decay, which are commonly known mechanisms for disease. The variant was absent in 240878 control chromosomes (gnomAD). c.1945C>T has been reported in the literature in multiple individuals affected with Hereditary Breast and Ovarian Cancer Syndrome as well as in individuals undergoing testing (Rebbeck_2018, Heramb_2018, Tedaldi_2017). These data indicate that the variant is very likely to be associated with disease. To our knowledge, no experimental evidence demonstrating an impact on protein function has been reported. Six ClinVar submitters (evaluation after 2014) including an expert panel (ENIGMA) cite the variant as pathogenic. Based on the evidence outlined above, the variant was classified as pathogenic.

Institute of Human Genetics, University of Leipzig Medical Center
Classification: Pathogenic for Familial cancer of breast. Last evaluated: 2019-01-01. Review status: criteria provided, single submitter. Criteria: ACMG Guidelines, 2015. Collection method: clinical testing. Allele origin: unknown. Affected: yes. Not counted in ClinVar's aggregate classification.

Consortium of Investigators of Modifiers of BRCA1/2 (CIMBA), c/o University of Cambridge
Classification: Pathogenic for Breast-ovarian cancer, familial, susceptibility to, 2. Last evaluated: 2015-10-02. Review status: criteria provided, single submitter. Criteria: CIMBA Mutation Classification guidelines May 2016. Collection method: clinical testing. Allele origin: germline. Not counted in ClinVar's aggregate classification.

Department of Medical Genetics, Oslo University Hospital
Classification: Pathogenic for Breast-ovarian cancer, familial, susceptibility to, 2. Last evaluated: 2015-07-01. Review status: criteria provided, single submitter. Criteria: ACMG Guidelines, 2015. Collection method: clinical testing. Allele origin: germline. Affected: yes. Observed: 4 variant alleles. Not counted in ClinVar's aggregate classification.

Research Molecular Genetics Laboratory, Women's College Hospital, University of Toronto
Classification: Pathogenic for Hereditary breast ovarian cancer syndrome. Last evaluated: 2014-01-31. Review status: no assertion criteria provided. Collection method: research. Allele origin: germline. Affected: yes. Study: The Canadian Open Genetics Repository (COGR). Not counted in ClinVar's aggregate classification.

Sharing Clinical Reports Project (SCRP)
Classification: Pathogenic for Breast-ovarian cancer, familial 2. Last evaluated: 2008-08-29. Review status: no assertion criteria provided. Collection method: clinical testing. Allele origin: germline. Not counted in ClinVar's aggregate classification.

Literature cited by the submitters: PubMed 28423363 (cited by 5 submitters); PubMed 29446198 (cited by 3 submitters); PubMed 20104584 (cited by Labcorp Genetics (formerly Invitae), Labcorp); PubMed 29339979 (cited by 3 submitters).

NM_000059.4(BRCA2):c.1945C>T (p.Gln649Ter)

Gene: BRCA2 (BRCA2 DNA repair associated; plus strand). Cytogenetic location: 13q13.1.
Variant type: single nucleotide variant.
Coding change: c.1945C>T on transcript NM_000059.4 (MANE Select); coding-DNA position 1945, C replaced by T.
Protein change: p.Gln649Ter; replaces glutamine 649 with a stop codon.
Molecular consequence: nonsense.
Genome position (GRCh38, 1-based): chr13:32,336,300, C>T. VCF-style: chr13-32336300-C-T. GRCh37 (hg19) VCF-style: chr13-32910437-C-T.
Other names: 2173C>T; short protein forms Q649*.
Identifiers: ClinVar variation 91764 (VCV000091764.26), dbSNP rs398122735, ClinGen allele CA014000.
Genomic context (GRCh38, chr13:32,336,300, plus strand): 5'-TGTCACTTTGTGTTTTTATGTTTAGGTTTATTGCATTCTTCTGTGAAAAGAAGCTGTTCA[C>T]AGAATGATTCTGAAGAACCAACTTTGTCCTTAACTAGCTCTTTTGGGACAATTCTGAGGA-3'